The following is an entry in ClinVar:

NM_003106.4(SOX2):c.542del (p.Pro181fs)

Genes: SOX2 (SRY-box transcription factor 2; plus strand), SOX2-OT (SOX2 overlapping transcript; plus strand), LOC108281177 (SOX2 5' regulatory region; plus strand). Cytogenetic location: 3q26.33.
Variant type: Deletion.
Coding change: c.542del on transcript NM_003106.4 (MANE Select); coding-DNA position 542, one base deleted (C; older notation c.542delC).
Protein change: p.Pro181fs; shifts the reading frame from proline 181.
Molecular consequence: frameshift variant.
Genome position (GRCh38, 1-based): chr3:181,712,902, C deleted; the last of 3 consecutive C bases (chr3:181,712,900-181,712,902); deleting any one gives the same sequence. VCF-style (leftmost placement, unchanged base first): chr3-181712899-AC-A. GRCh37 (hg19) VCF-style: chr3-181430687-AC-A.
Other names: c.542delC (NM_003106.3); c.542del (NM_003106.3); short protein forms P181fs.
Identifiers: ClinVar variation 986775 (VCV000986775.4), dbSNP rs1714861435, ClinGen allele CA1139658374.

ClinVar aggregate classification (germline): Pathogenic. Review status: criteria provided, single submitter (1 of 4 stars). 2 submissions from 2 submitters: Pathogenic (1). 1 of the submissions does not count toward it. Last evaluated 2023-12-09.

Conditions:
Anophthalmia/microphthalmia-esophageal atresia syndrome (MCOPS3). Also called: MICROPHTHALMIA AND ESOPHAGEAL ATRESIA SYNDROME; AEG SYNDROME; SOX2 Disorder. Identifiers: Orphanet 77298, MedGen C1859773, MONDO:0008799, OMIM 206900.

Submissions (2):

GeneDx
Classification: Pathogenic. Last evaluated: 2023-12-09. Review status: criteria provided, single submitter. Criteria: GeneDx Variant Classification Process June 2021. Collection method: clinical testing. Allele origin: germline. Affected: yes.
Comment: Frameshift variant predicted to result in protein truncation, as the last 137 amino acids are replaced with 21 different amino acids, and other loss-of-function variants have been reported downstream in the Human Gene Mutation Database (HGMD); Not observed in large population cohorts (gnomAD); This variant is associated with the following publications: (PMID: 22204637, 30450772, 22171155)

Anophthalmia/Microphthalmia Research Registry, Einstein Medical Center Philadelphia
Classification: Pathogenic for Anophthalmia/microphthalmia-esophageal atresia syndrome. Review status: no assertion criteria provided. Collection method: clinical testing. Allele origin: germline. Inheritance: Autosomal dominant inheritance. Affected: yes. Observed: 1 variant allele. Not counted in ClinVar's aggregate classification.